The following is an entry in ClinVar:

NM_004239.4(TRIP11):c.5010T>C (p.Ala1670=)

Gene: TRIP11 (thyroid hormone receptor interactor 11; minus strand). Cytogenetic location: 14q32.12.
Variant type: single nucleotide variant.
Coding change: c.5010T>C on transcript NM_004239.4 (MANE Select); coding-DNA position 5010, T replaced by C.
Protein change: p.Ala1670=; no amino-acid change (alanine 1670 retained).
Molecular consequence: synonymous variant.
Genome position (GRCh38, 1-based): chr14:91,995,398, A>G on the plus strand (T>C on the coding strand, the complement: TRIP11 is on the minus strand). VCF-style: chr14-91995398-A-G. GRCh37 (hg19) VCF-style: chr14-92461742-A-G.
Other names: c.5007T>C, p.Ala1669= (NM_001321851.1).
Identifiers: ClinVar variation 682209 (VCV000682209.20), dbSNP rs149334552, ClinGen allele CA7313318.

ClinVar aggregate classification (germline): Benign/Likely benign. Review status: criteria provided, multiple submitters, no conflicts (2 of 4 stars). 6 submissions from 6 submitters: Benign (1); Likely benign (5). Last evaluated 2025-10-20.

Conditions:
Connective tissue disorder. Also called: Connective tissue disease. Identifiers: MedGen C0009782, MONDO:0003900.
Achondrogenesis, type IA (ACG1A). Identifiers: Orphanet 932, Orphanet 93299, MedGen C0265273, MONDO:0008701, OMIM 200600.

Allele frequency attached by ClinVar (database versions not stated): gnomAD exomes 0.00008 and 0.00024; ExAC 0.00033; 1000 Genomes Project 0.00060; 1000 Genomes Project 30x 0.00094; gnomAD 0.00097 and 0.00103; TOPMed 0.00109; ESP Exome Variant Server 0.00177.
gnomAD v4.1: 273 of 1,614,088 alleles (0.017%); highest among the groups gnomAD compares: African/African-American, 0.32%; 2 homozygotes.

Submissions (6):

Labcorp Genetics (formerly Invitae), Labcorp
Classification: Benign for Achondrogenesis, type IA. Last evaluated: 2025-10-20. Review status: criteria provided, single submitter. Criteria: Invitae Variant Classification Sherloc (09022015). Collection method: clinical testing. Allele origin: germline.

ARUP Laboratories, Molecular Genetics and Genomics, ARUP Laboratories
Classification: Likely benign. Last evaluated: 2023-02-10. Review status: criteria provided, single submitter. Criteria: ARUP Molecular Germline Variant Investigation Process 2024. Collection method: clinical testing. Allele origin: germline.

Genome Diagnostics Laboratory, The Hospital for Sick Children
Classification: Likely benign for Connective tissue disorder. Last evaluated: 2022-02-10. Review status: criteria provided, single submitter. Criteria: ACMG Guidelines, 2015. Collection method: clinical testing. Allele origin: germline.

GeneDx
Classification: Likely benign. Last evaluated: 2020-11-09. Review status: criteria provided, single submitter. Criteria: GeneDx Variant Classification Process June 2021. Collection method: clinical testing. Allele origin: germline. Affected: yes.

Illumina Laboratory Services, Illumina
Classification: Likely benign for Achondrogenesis, type IA. Last evaluated: 2018-01-12. Review status: criteria provided, single submitter. Criteria: ICSL Variant Classification Criteria 13 December 2019. Collection method: clinical testing. Allele origin: germline.
Comment: This variant was observed in the ICSL laboratory as part of a predisposition screen in an ostensibly healthy population. It had not been previously curated by ICSL or reported in the Human Gene Mutation Database (HGMD: prior to June 1st, 2018), and was therefore a candidate for classification through an automated scoring system. Utilizing variant allele frequency, disease prevalence and penetrance estimates, and inheritance mode, an automated score was calculated to assess if this variant is too frequent to cause the disease. Based on the score and internal cut-off values, a variant classified as likely benign is not then subjected to further curation. The score for this variant resulted in a classification of likely benign for this disease.

Breakthrough Genomics
Classification: Likely benign. Review status: criteria provided, single submitter. Criteria: ACMG Guidelines, 2015. Collection method: not provided. Allele origin: germline. Inheritance: Autosomal recessive inheritance. Affected: yes.